The following is an entry in ClinVar:

NM_000090.4(COL3A1):c.4011G>T (p.Gln1337His)

Gene: COL3A1 (collagen type III alpha 1 chain; plus strand). Cytogenetic location: 2q32.2.
Variant type: single nucleotide variant.
Coding change: c.4011G>T on transcript NM_000090.4 (MANE Select); coding-DNA position 4011, G replaced by T.
Protein change: p.Gln1337His; replaces glutamine 1337 with histidine.
Molecular consequence: missense variant.
Genome position (GRCh38, 1-based): chr2:189,010,365, G>T. VCF-style: chr2-189010365-G-T. GRCh37 (hg19) VCF-style: chr2-189875091-G-T.
Other names: short protein forms Q1337H.
Identifiers: ClinVar variation 2099773 (VCV002099773.5), dbSNP rs2469169310, ClinGen allele CA349848981.

ClinVar aggregate classification (germline): Uncertain significance. Review status: criteria provided, multiple submitters, no conflicts (2 of 4 stars). 2 submissions from 2 submitters: Uncertain significance (2). Last evaluated 2024-12-17.

Conditions:
Familial thoracic aortic aneurysm and aortic dissection (TAAD). Also called: Thoracic aortic aneurysms and dissections. Identifiers: Orphanet 91387, MedGen C4707243, MONDO:0019625.
Ehlers-Danlos syndrome, type 4 (EDSVASC). Also called: Ehlers-Danlos syndrome vascular type; Ehlers Danlos syndrome, ecchymotic type; Ehlers Danlos syndrome, arterial type; Ehlers Danlos syndrome, Sack-Barabas type; Ehlers-Danlos Syndrome Type IV. Identifiers: Orphanet 286, MedGen C0268338, MONDO:0017314, OMIM 130050.

Submissions (2):

Ambry Genetics
Classification: Uncertain significance for Familial thoracic aortic aneurysm and aortic dissection. Last evaluated: 2024-12-17. Review status: criteria provided, single submitter. Criteria: Ambry Variant Classification Scheme 2023. Collection method: clinical testing. Allele origin: germline.
Comment: The c.4011G>T variant (also known as p.Q1337H), located in coding exon 49 of the COL3A1 gene, results from a G to T substitution at nucleotide position 4011. The amino acid change results in glutamine to histidine at codon 1337, an amino acid with highly similar properties. However, this change occurs in the last base pair of coding exon 49, which makes it likely to have some effect on normal mRNA splicing. This nucleotide position is well conserved in available vertebrate species. This amino acid position is well conserved in available vertebrate species. In silico splice site analysis predicts that this alteration will weaken the native splice donor site. In addition, as a missense substitution this is predicted to be tolerated by in silico analysis. Based on the available evidence, the clinical significance of this variant remains unclear.

Labcorp Genetics (formerly Invitae), Labcorp
Classification: Uncertain significance for Ehlers-Danlos syndrome, type 4. Last evaluated: 2022-03-12. Review status: criteria provided, single submitter. Criteria: Invitae Variant Classification Sherloc (09022015). Collection method: clinical testing. Allele origin: germline.
Comment: In summary, the available evidence is currently insufficient to determine the role of this variant in disease. Therefore, it has been classified as a Variant of Uncertain Significance. Variants that disrupt the consensus splice site are a relatively common cause of aberrant splicing (PMID: 17576681, 9536098). Algorithms developed to predict the effect of sequence changes on RNA splicing suggest that this variant may disrupt the consensus splice site. Algorithms developed to predict the effect of missense changes on protein structure and function are either unavailable or do not agree on the potential impact of this missense change (SIFT: "Deleterious"; PolyPhen-2: "Not Available"; Align-GVGD: "Class C0"). This variant has not been reported in the literature in individuals affected with COL3A1-related conditions. This variant is not present in population databases (gnomAD no frequency). This sequence change replaces glutamine, which is neutral and polar, with histidine, which is basic and polar, at codon 1337 of the COL3A1 protein (p.Gln1337His). This variant also falls at the last nucleotide of exon 49, which is part of the consensus splice site for this exon.

Literature cited by the submitters: PubMed 17576681 (cited by Labcorp Genetics (formerly Invitae), Labcorp); PubMed 9536098 (cited by Labcorp Genetics (formerly Invitae), Labcorp).